The following is an entry in ClinVar:

NM_022124.6(CDH23):c.2878G>A (p.Glu960Lys)

Gene: CDH23 (cadherin related 23; plus strand). Cytogenetic location: 10q22.1.
Variant type: single nucleotide variant.
Coding change: c.2878G>A on transcript NM_022124.6 (MANE Select); coding-DNA position 2878, G replaced by A.
Protein change: p.Glu960Lys; replaces glutamic acid 960 with lysine.
Molecular consequence: missense variant.
Genome position (GRCh38, 1-based): chr10:71,705,055, G>A. VCF-style: chr10-71705055-G-A. GRCh37 (hg19) VCF-style: chr10-73464812-G-A.
Other names: c.2878G>A, p.Glu960Lys (NM_001171930.2, NM_001171931.2); short protein forms E960K.
Identifiers: ClinVar variation 45904 (VCV000045904.66), dbSNP rs111033458, ClinGen allele CA137342.
Genomic context (GRCh38, chr10:71,705,055, plus strand): 5'-ATCAACAGCAGCAGCGGCGTGGTGGTCACCACCACCGAGCTGGACCGCGAGCGCATCGCG[G>A]AGTACCAGCTGCGGGTGGTGGCCAGTGATGCAGGCACGCCCACCAAGAGCTCCACCAGCA-3'
Protein context (NP_071407.4, residues 950-970): TTELDRERIA[Glu960Lys]YQLRVVASDA

ClinVar aggregate classification (germline): Conflicting classifications of pathogenicity. Review status: criteria provided, conflicting classifications (1 of 4 stars). 13 submissions from 12 submitters: Uncertain significance (1); Benign (7); Likely benign (1). 4 of the submissions do not count toward it. Last evaluated 2026-02-04.

Conditions:
CDH23-related disorder. Also called: CDH23-related condition; CDH23-related disorders.
Usher syndrome type 1 (USH1). Also called: RETINITIS PIGMENTOSA AND CONGENITAL DEAFNESS. Identifiers: Orphanet 231169, Orphanet 886, MedGen C1568247, MONDO:0010168, OMIM 276900.
Usher syndrome type 1D (USH1D). Also called: USHER SYNDROME, TYPE ID. Identifiers: Orphanet 231169, Orphanet 886, MedGen C1832845, MONDO:0010984, OMIM 601067.
Autosomal recessive nonsyndromic hearing loss 12. Also called: DEAFNESS, AUTOSOMAL RECESSIVE 12. Identifiers: Orphanet 90636, MedGen C1832394, MONDO:0011067, OMIM 601386.

Allele frequency attached by ClinVar (database versions not stated): 1000 Genomes Project 0.00200; 1000 Genomes Project 30x 0.00219; gnomAD 0.00290 and 0.00299; gnomAD exomes 0.00302; ESP Exome Variant Server 0.00312; TOPMed 0.00315; ExAC 0.00325.
gnomAD v4.1: 5,936 of 1,612,632 alleles (0.37%); highest among the groups gnomAD compares: Non-Finnish European, 0.45%; 19 homozygotes.

Submissions (13):

Labcorp Genetics (formerly Invitae), Labcorp
Classification: Benign. Last evaluated: 2026-02-04. Review status: criteria provided, single submitter. Criteria: Invitae Variant Classification Sherloc (09022015). Collection method: clinical testing. Allele origin: germline.

CeGaT Center for Human Genetics Tuebingen
Classification: Likely benign. Last evaluated: 2026-02-01. Review status: criteria provided, single submitter. Criteria: CeGaT Center For Human Genetics Tuebingen Variant Classification Criteria Version 2. Collection method: clinical testing. Allele origin: germline. Affected: yes. Observed: 13 variant alleles.
Comment: CDH23: BP4, BS2

Women's Health and Genetics/Laboratory Corporation of America, LabCorp
Classification: Benign. Last evaluated: 2022-03-12. Review status: criteria provided, single submitter. Criteria: LabCorp Variant Classification Summary - May 2015. Collection method: clinical testing. Allele origin: germline.
Comment: Variant summary: CDH23 c.2878G>A (p.Glu960Lys) results in a conservative amino acid change in the encoded protein sequence. Four of five in-silico tools predict a benign effect of the variant on protein function. The variant allele was found at a frequency of 0.003 in 245864 control chromosomes, predominantly at a frequency of 0.005 within the Non-Finnish European subpopulation in the gnomAD database, including 4 homozygotes. The observed variant frequency within Non-Finnish European control individuals in the gnomAD database is approximately 1.6 fold of the estimated maximal expected allele frequency for a pathogenic variant in CDH23 causing Usher Syndrome phenotype (0.0032), strongly suggesting that the variant is a benign polymorphism found primarily in populations of Non-Finnish European origin. Although reported in the literature, to our knowledge, no penetrant association of c.2878G>A in individuals affected with Usher Syndrome and no experimental evidence demonstrating its impact on protein function have been reported. Eight clinical diagnostic laboratories have submitted clinical-significance assessments for this variant to ClinVar after 2014 without evidence for independent evaluation. Multiple laboratories report a majority consensus as benign. Based on the evidence outlined above, the variant was classified as benign.

Institute for Clinical Genetics, University Hospital TU Dresden, University Hospital TU Dresden
Classification: Benign. Last evaluated: 2021-11-03. Review status: criteria provided, single submitter. Criteria: ACMG Guidelines, 2015. Collection method: clinical testing. Allele origin: germline.

Athena Diagnostics
Classification: Benign. Last evaluated: 2019-07-12. Review status: criteria provided, single submitter. Criteria: Athena Diagnostics Criteria. Collection method: clinical testing. Allele origin: germline.

GeneDx
Classification: Benign. Last evaluated: 2018-10-08. Review status: criteria provided, single submitter. Criteria: GeneDx Variant Classification Process June 2021. Collection method: clinical testing. Allele origin: germline. Affected: yes.
Comment: This variant is associated with the following publications: (PMID: 18429043, 32707200)

Illumina Laboratory Services, Illumina
Classification: Uncertain significance for Autosomal recessive nonsyndromic hearing loss 12. Last evaluated: 2017-04-27. Review status: criteria provided, single submitter. Criteria: ICSL Variant Classification Criteria 13 December 2019. Collection method: clinical testing. Allele origin: germline.

Illumina Laboratory Services, Illumina
Classification: Benign for Usher syndrome type 1D. Last evaluated: 2017-04-27. Review status: criteria provided, single submitter. Criteria: ICSL Variant Classification Criteria 13 December 2019. Collection method: clinical testing. Allele origin: germline.
Comment: This variant was observed as part of a predisposition screen in an ostensibly healthy population. A literature search was performed for the gene, cDNA change, and amino acid change (where applicable). Publications were found based on this search. The evidence from the literature, in combination with allele frequency data from public databases where available, was sufficient to rule this variant out of causing disease. Therefore, this variant is classified as benign.

Laboratory for Molecular Medicine, Mass General Brigham Personalized Medicine
Classification: Benign. Last evaluated: 2013-06-11. Review status: criteria provided, single submitter. Criteria: LMM Criteria. Collection method: clinical testing. Allele origin: germline. Observed: 15 variant alleles.
Comment: The Glu960Lys variant in CDH23: 0.4% (35/8368) of European American chromosomes by the NHLBI Exome Sequencing Project (dbSNP rs111033458).

Natera, Inc.
Classification: Benign for Usher syndrome type 1. Last evaluated: 2020-04-15. Review status: no assertion criteria provided. Collection method: clinical testing. Allele origin: germline. Not counted in ClinVar's aggregate classification.

PreventionGenetics, part of Exact Sciences
Classification: Likely benign for CDH23-related condition. Last evaluated: 2019-10-04. Review status: no assertion criteria provided. Collection method: clinical testing. Allele origin: germline. Not counted in ClinVar's aggregate classification.
Comment: This variant is classified as likely benign based on ACMG/AMP sequence variant interpretation guidelines (Richards et al. 2015 PMID: 25741868, with internal and published modifications).

Clinical Genetics DNA and cytogenetics Diagnostics Lab, Erasmus MC, Erasmus Medical Center
Classification: Likely benign. Review status: no assertion criteria provided. Collection method: clinical testing. Allele origin: germline. Affected: yes. Study: VKGL Data-share Consensus. Not counted in ClinVar's aggregate classification.

Clinical Genetics, Academic Medical Center
Classification: Benign. Review status: no assertion criteria provided. Collection method: clinical testing. Allele origin: germline. Affected: yes. Study: VKGL Data-share Consensus. Not counted in ClinVar's aggregate classification.

Literature cited by the submitters: PubMed 18429043 (cited by 3 submitters); PubMed 23804846 (cited by Athena Diagnostics).